The following is an entry in ClinVar:

ClinVar aggregate classification (germline): Benign. Review status: criteria provided, single submitter (1 of 4 stars). 6 submissions from 1 submitter: Benign (6). Last evaluated 2018-01-13.

Conditions:
Scapuloperoneal spinal muscular atrophy (SPSMA). Also called: Scapuloperoneal Spinal Muscular Atrophy, TRPV4-Related; AMYOTROPHY, NEUROGENIC SCAPULOPERONEAL, NEW ENGLAND TYPE; Scapuloperoneal Form of Spinal Muscular Atrophy; Scapuloperoneal spinal muscular atrophy, autosomal dominant. Identifiers: Orphanet 431255, MedGen C0751335, MONDO:0008408, OMIM 181405.
Metatropic dysplasia (MTD). Also called: Metatropic Dysplasia, TRPV4-Related; METATROPIC DWARFISM; Metatropic dysplasia, nonlethal dominant. Identifiers: Orphanet 2635, MedGen C0265281, MONDO:0007986, OMIM 156530.
Neuronopathy, distal hereditary motor, autosomal dominant 8. Also called: Autosomal dominant congenital benign spinal muscular atrophy; SPINAL MUSCULAR ATROPHY, CONGENITAL BENIGN, WITH CONTRACTURES; NEURONOPATHY, DISTAL HEREDITARY MOTOR, TYPE VIII; NEUROPATHY, DISTAL HEREDITARY MOTOR, TYPE VIII. Identifiers: Orphanet 1216, MedGen C1838492, MONDO:0010839, OMIM 600175.
Spondylometaphyseal dysplasia, Kozlowski type (SMDK). Also called: Dysmorphism arthrogryposis skeletal maturation advanced; Jequier-Kozlowski syndrome; Skeletal dysplasia Jequier-Kozlowski type; SMD Kozlowski type; Spondylometaphyseal Dysplasia, TRPV4-Related (Kozlowski Type). Identifiers: Orphanet 93314, MedGen C0265280, MONDO:0008477, OMIM 184252.
Brachyrachia (short spine dysplasia) (BCYM3). Also called: BRACHYRACHIA; Autosomal dominant brachyolmia; Brachyolmia, TRPV4-Related; Brachyolmia Type 3. Identifiers: Orphanet 93304, MedGen C0432227, MONDO:0007232, OMIM 113500.
Charcot-Marie-Tooth disease axonal type 2C (HMSN2C). Also called: Charcot-Marie-Tooth Disease Type 2, TRPV4-Related (CMT2C); CHARCOT-MARIE-TOOTH DISEASE, AXONAL, AUTOSOMAL DOMINANT, TYPE 2C; Charcot-Marie-Tooth Neuropathy Type 2C. Identifiers: Orphanet 99937, MedGen C1853710, MONDO:0011633, OMIM 606071.

Allele frequency attached by ClinVar (database versions not stated): gnomAD exomes 0.00031; gnomAD 0.00207 and 0.00210; TOPMed 0.00241; 1000 Genomes Project 30x 0.00281; 1000 Genomes Project 0.00300.
gnomAD v4.1: 340 of 235,954 alleles (0.14%); highest among the groups gnomAD compares: African/African-American, 0.66%; 4 homozygotes.

Submissions (6):

Illumina Laboratory Services, Illumina
Classification: Benign for Spondylometaphyseal dysplasia, Kozlowski type. Last evaluated: 2018-01-13. Review status: criteria provided, single submitter. Criteria: ICSL Variant Classification Criteria 13 December 2019. Collection method: clinical testing. Allele origin: germline.
Comment: This variant was observed in the ICSL laboratory as part of a predisposition screen in an ostensibly healthy population. It had not been previously curated by ICSL or reported in the Human Gene Mutation Database (HGMD: prior to June 1st, 2018), and was therefore a candidate for classification through an automated scoring system. Utilizing variant allele frequency, disease prevalence and penetrance estimates, and inheritance mode, an automated score was calculated to assess if this variant is too frequent to cause the disease. Based on the score and internal cut-off values, a variant classified as benign is not then subjected to further curation. The score for this variant resulted in a classification of benign for this disease.

Illumina Laboratory Services, Illumina
Classification: Benign for Brachyrachia (short spine dysplasia). Last evaluated: 2018-01-13. Review status: criteria provided, single submitter. Criteria: ICSL Variant Classification Criteria 13 December 2019. Collection method: clinical testing. Allele origin: germline.
Comment: the same text as in the submission from Illumina Laboratory Services, Illumina above.

Illumina Laboratory Services, Illumina
Classification: Benign for Neuronopathy, distal hereditary motor, autosomal dominant 8. Last evaluated: 2018-01-13. Review status: criteria provided, single submitter. Criteria: ICSL Variant Classification Criteria 13 December 2019. Collection method: clinical testing. Allele origin: germline.
Comment: the same text as in the submission from Illumina Laboratory Services, Illumina above.

Illumina Laboratory Services, Illumina
Classification: Benign for Scapuloperoneal spinal muscular atrophy. Last evaluated: 2018-01-13. Review status: criteria provided, single submitter. Criteria: ICSL Variant Classification Criteria 13 December 2019. Collection method: clinical testing. Allele origin: germline.
Comment: the same text as in the submission from Illumina Laboratory Services, Illumina above.

Illumina Laboratory Services, Illumina
Classification: Benign for Charcot-Marie-Tooth disease axonal type 2C. Last evaluated: 2018-01-13. Review status: criteria provided, single submitter. Criteria: ICSL Variant Classification Criteria 13 December 2019. Collection method: clinical testing. Allele origin: germline.
Comment: the same text as in the submission from Illumina Laboratory Services, Illumina above.

Illumina Laboratory Services, Illumina
Classification: Benign for Metatropic dysplasia. Last evaluated: 2018-01-13. Review status: criteria provided, single submitter. Criteria: ICSL Variant Classification Criteria 13 December 2019. Collection method: clinical testing. Allele origin: germline.
Comment: the same text as in the submission from Illumina Laboratory Services, Illumina above.

NM_021625.5(TRPV4):c.*365C>T

Gene: TRPV4 (transient receptor potential cation channel subfamily V member 4; minus strand). Cytogenetic location: 12q24.11.
Variant type: single nucleotide variant.
Coding change: c.*365C>T on transcript NM_021625.5 (MANE Select); 365 bases downstream of the stop codon, C replaced by T.
Molecular consequence: 3 prime UTR variant.
Genome position (GRCh38, 1-based): chr12:109,783,256, G>A on the plus strand (C>T on the coding strand, the complement: TRPV4 is on the minus strand). VCF-style: chr12-109783256-G-A. GRCh37 (hg19) VCF-style: chr12-110221061-G-A.
Other names: c.*365C>T (NM_001177428.2, NM_001177431.2, NM_001177433.2 and 1 more transcripts).
Identifiers: ClinVar variation 307116 (VCV000307116.5), dbSNP rs184413363, ClinGen allele CA10632026.
Genomic context (GRCh38, chr12:109,783,256, plus strand): 5'-CACGCTGCCAAAAATGGTGGCGCATGCAGCTCAGGCGCAGGCTGAGGCTGGGGCTTGGCC[G>A]GGCAGTGCACTTGGAACGGGGTCCTAAGGCCTCTGCCAGGTTCCAGCTGGGGCAGGGGTC-3'